The following is an entry in ClinVar:

NM_024426.6(WT1):c.1230G>A (p.Leu410=)

Gene: WT1 (WT1 transcription factor; minus strand). Cytogenetic location: 11p13.
Variant type: single nucleotide variant.
Coding change: c.1230G>A on transcript NM_024426.6 (MANE Select); coding-DNA position 1230, G replaced by A.
Protein change: p.Leu410=; no amino-acid change (leucine 410 retained).
Molecular consequence: synonymous variant. On other transcripts: non-coding transcript variant (2).
Genome position (GRCh38, 1-based): chr11:32,396,291, C>T on the plus strand (G>A on the coding strand, the complement: WT1 is on the minus strand). VCF-style: chr11-32396291-C-T. GRCh37 (hg19) VCF-style: chr11-32417837-C-T.
Other names: c.1179G>A, p.Leu393= (NM_000378.6, NM_001407045.1, NM_001407048.1 and 1 more transcripts); c.579G>A, p.Leu193= (NM_001198551.2); c.528G>A, p.Leu176= (NM_001198552.2); c.42G>A, p.Leu14= (NM_001367854.1); c.1224G>A, p.Leu408= (NM_001407044.1); c.1230G>A, p.Leu410= (NM_001407046.1, NM_024424.5); c.1107G>A, p.Leu369= (NM_001407047.1); c.1056G>A, p.Leu352= (NM_001407050.1); and 2 more.
Identifiers: ClinVar variation 1101974 (VCV001101974.12), dbSNP rs1851967232, ClinGen allele CA473566899.
Genomic context (GRCh38, chr11:32,396,291, plus strand): 5'-CAAGACTGGACAGCGGGCACACTTACCAGTGTGCTTCCTGCTGTGCATCTGTAAGTGGGA[C>T]AGCTTAAAATATCTCTTATTGCAGCCTGGGTAAGCACACATGAAGGGGCGTTTCTCACTG-3'
Protein context (NP_077744.4, residues 400-420): YPGCNKRYFK[Leu410=]SHLQMHSRKH

ClinVar aggregate classification (germline): Likely benign. Review status: criteria provided, multiple submitters, no conflicts (2 of 4 stars). 3 submissions from 3 submitters: Likely benign (3). Last evaluated 2024-05-14.

Conditions:
Drash syndrome (DDS). Also called: NEPHROPATHY, WILMS TUMOR, AND GENITAL ANOMALIES; WILMS TUMOR AND PSEUDO- OR TRUE HERMAPHRODITISM. Identifiers: Orphanet 220, MedGen C0950121, MONDO:0008682, OMIM 194080.
Frasier syndrome. Identifiers: Orphanet 347, MedGen C0950122, MeSH D052159, MONDO:0007635, OMIM 136680.
Wilms tumor 1 (WT1). Also called: Wilms tumor, somatic. Identifiers: Orphanet 654, MedGen CN033288, MONDO:0008679, OMIM 194070.
11p partial monosomy syndrome (WAGR). Also called: WAGR Spectrum Disorder; WAGR syndrome; WAGR Complex; CHROMOSOME 11p13 DELETION SYNDROME. Identifiers: Orphanet 893, MedGen C0206115, MONDO:0008681, OMIM 194072.

gnomAD v4.1: 1 of 1,614,204 alleles (0.000062%); highest among the groups gnomAD compares: Non-Finnish European, 0.000085%; no homozygotes.

Submissions (3):

All of Us Research Program, National Institutes of Health
Classification: Likely benign for Wilms tumor 1. Last evaluated: 2024-05-14. Review status: criteria provided, single submitter. Criteria: ACMG Guidelines, 2015. Collection method: clinical testing. Allele origin: germline. Inheritance: Autosomal dominant inheritance. Observed: 1 variant allele, 1 heterozygote.
Comment: This study involves interpretation of variants in research participants for the purpose of population health screening. Participant phenotype was not available at the time of variant classification. Additional details can be found in publication PMID: 35346344, PMCID: PMC8962531

Blueprint Genetics
Classification: Likely benign. Last evaluated: 2024-04-29. Review status: criteria provided, single submitter. Criteria: ACMG Guidelines, 2015. Collection method: clinical testing. Allele origin: germline.

Labcorp Genetics (formerly Invitae), Labcorp
Classification: Likely benign for Wilms tumor 1; Drash syndrome; 11p partial monosomy syndrome; Frasier syndrome. Last evaluated: 2021-06-23. Review status: criteria provided, single submitter. Criteria: Invitae Variant Classification Sherloc (09022015). Collection method: clinical testing. Allele origin: germline.